The following is an entry in ClinVar:

ClinVar aggregate classification (germline): Uncertain significance (1 of 4 stars; one submission).

gnomAD v4.1: 24 of 1,613,590 alleles (0.0015%); highest among the groups gnomAD compares: Admixed American, 0.0033%; no homozygotes.

Submission:

Labcorp Genetics (formerly Invitae), Labcorp
Classification: Uncertain significance. Last evaluated: 2025-11-29. Review status: criteria provided, single submitter. Criteria: Invitae Variant Classification Sherloc (09022015). Collection method: clinical testing. Allele origin: germline.
Comment: This sequence change replaces glutamic acid, which is acidic and polar, with glutamine, which is neutral and polar, at codon 756 of the GFM2 protein (p.Glu756Gln). This variant is present in population databases (no rsID available, gnomAD 0.003%). This variant has not been reported in the literature in individuals affected with GFM2-related conditions. ClinVar contains an entry for this variant (Variation ID: 3706506). Invitae Evidence Modeling of protein sequence and biophysical properties (such as structural, functional, and spatial information, amino acid conservation, physicochemical variation, residue mobility, and thermodynamic stability) indicates that this missense variant is not expected to disrupt GFM2 protein function with a negative predictive value of 80%. In summary, the available evidence is currently insufficient to determine the role of this variant in disease. Therefore, it has been classified as a Variant of Uncertain Significance.

NM_032380.5(GFM2):c.2266G>C (p.Glu756Gln)

Gene: GFM2 (GTP dependent ribosome recycling factor mitochondrial 2; minus strand). Cytogenetic location: 5q13.3.
Variant type: single nucleotide variant.
Coding change: c.2266G>C on transcript NM_032380.5 (MANE Select); coding-DNA position 2266, G replaced by C.
Protein change: p.Glu756Gln; replaces glutamic acid 756 with glutamine.
Molecular consequence: missense variant. On other transcripts: non-coding transcript variant (1).
Genome position (GRCh38, 1-based): chr5:74,721,729, C>G on the plus strand (G>C on the coding strand, the complement: GFM2 is on the minus strand). VCF-style: chr5-74721729-C-G. GRCh37 (hg19) VCF-style: chr5-74017554-C-G.
Other names: c.2362G>C, p.Glu788Gln (NM_001281302.2); c.2125G>C, p.Glu709Gln (NM_170691.3); short protein forms E709Q, E756Q, E788Q.
Identifiers: ClinVar variation 3706506 (VCV003706506.2).